The following is an entry in ClinVar:

ClinVar aggregate classification (germline): Uncertain significance (1 of 4 stars; one submission).

Submission:

GeneDx
Classification: Uncertain significance. Last evaluated: 2024-03-01. Review status: criteria provided, single submitter. Criteria: GeneDx Variant Classification Process June 2021. Collection method: clinical testing. Allele origin: germline. Affected: yes.
Comment: Not observed at significant frequency in large population cohorts (gnomAD); In-frame deletion of 4 amino acids in a non-repeat region; Has not been previously published as pathogenic or benign to our knowledge.

NC_000001.11:g.180271835_180271846del

Genes: ACBD6 (acyl-CoA binding domain containing 6; minus strand), LHX4 (LIM homeobox 4; plus strand), LHX4-AS1 (LHX4 antisense RNA 1; minus strand). Cytogenetic location: 1q25.2.
Variant type: Deletion.
Molecular consequence: non-coding transcript variant (on NR_037642.1).
Genome position: GRCh38 VCF-style: chr1-180271831-GCAGGTTTGGTTT-G. GRCh37 (hg19) VCF-style: chr1-180240966-GCAGGTTTGGTTT-G.
Identifiers: ClinVar variation 3373132 (VCV003373132.1).